The following is an entry in ClinVar:

ClinVar aggregate classification (germline): Pathogenic (1 of 4 stars; one submission).

Conditions:
Adams-Oliver syndrome 5 (AOS5). Identifiers: Orphanet 974, MedGen C4014970, MONDO:0014459, OMIM 616028.

Submission:

Labcorp Genetics (formerly Invitae), Labcorp
Classification: Pathogenic for Adams-Oliver syndrome 5. Last evaluated: 2025-05-06. Review status: criteria provided, single submitter. Criteria: Invitae Variant Classification Sherloc (09022015). Collection method: clinical testing. Allele origin: germline.
Comment: This sequence change creates a premature translational stop signal (p.Arg1672Alafs*126) in the NOTCH1 gene. It is expected to result in an absent or disrupted protein product. Loss-of-function variants in NOTCH1 are known to be pathogenic (PMID: 16025100, 21457232, 25132448, 25963545, 32720365, 33630301). This variant is not present in population databases (gnomAD no frequency). This variant has not been reported in the literature in individuals affected with NOTCH1-related conditions. For these reasons, this variant has been classified as Pathogenic.

Literature cited by the submitters: PubMed 16025100; PubMed 21457232; PubMed 25132448; PubMed 25963545; PubMed 32720365; PubMed 33630301.

NM_017617.5(NOTCH1):c.5014del (p.Arg1672fs)

Gene: NOTCH1 (notch receptor 1; minus strand). Cytogenetic location: 9q34.3.
Variant type: Deletion.
Coding change: c.5014del on transcript NM_017617.5 (MANE Select); coding-DNA position 5014, one base deleted (C; older notation c.5014delC).
Protein change: p.Arg1672fs; shifts the reading frame from arginine 1672.
Molecular consequence: frameshift variant.
Genome position (GRCh38, 1-based): chr9:136,504,677, G deleted on the plus strand (C on the coding strand, the reverse complement: NOTCH1 is on the minus strand); the first of 2 consecutive G bases (chr9:136,504,677-136,504,678); deleting either gives the same sequence. VCF-style (leftmost placement, unchanged base first): chr9-136504676-CG-C. GRCh37 (hg19) VCF-style: chr9-139399128-CG-C.
Other names: short protein forms R1672fs.
Identifiers: ClinVar variation 4719090 (VCV004719090.1).